The following is an entry in ClinVar:

ClinVar aggregate classification (germline): Uncertain significance. Review status: criteria provided, multiple submitters, no conflicts (2 of 4 stars). 4 submissions from 4 submitters: Uncertain significance (4). Last evaluated 2024-08-02.

Conditions:
Supravalvar aortic stenosis (SVAS). Also called: Supravalvar aortic stenosis, Eisenberg type. Identifiers: Orphanet 3193, MedGen C0003499, MONDO:0008504, OMIM 185500, HP:0004381.
Inborn genetic diseases. Identifiers: MedGen C0950123, MeSH D030342.

Allele frequency attached by ClinVar (database versions not stated): gnomAD exomes 0.00001.
gnomAD v4.1: 8 of 1,613,808 alleles (0.0005%); highest among the groups gnomAD compares: Admixed American, 0.0033%; no homozygotes.

Submissions (4):

Labcorp Genetics (formerly Invitae), Labcorp
Classification: Uncertain significance for Supravalvar aortic stenosis. Last evaluated: 2024-08-02. Review status: criteria provided, single submitter. Criteria: Invitae Variant Classification Sherloc (09022015). Collection method: clinical testing. Allele origin: germline.
Comment: This sequence change replaces glycine, which is neutral and non-polar, with glutamic acid, which is acidic and polar, at codon 716 of the ELN protein (p.Gly716Glu). This variant is present in population databases (no rsID available, gnomAD 0.003%). This variant has not been reported in the literature in individuals affected with ELN-related conditions. ClinVar contains an entry for this variant (Variation ID: 2527245). Advanced modeling of protein sequence and biophysical properties (such as structural, functional, and spatial information, amino acid conservation, physicochemical variation, residue mobility, and thermodynamic stability) performed at Invitae indicates that this missense variant is not expected to disrupt ELN protein function with a negative predictive value of 80%. In summary, the available evidence is currently insufficient to determine the role of this variant in disease. Therefore, it has been classified as a Variant of Uncertain Significance.

Ambry Genetics
Classification: Uncertain significance for Inborn genetic diseases. Last evaluated: 2023-03-20. Review status: criteria provided, single submitter. Criteria: Ambry Variant Classification Scheme 2023. Collection method: clinical testing. Allele origin: germline.

GeneDx
Classification: Uncertain significance. Last evaluated: 2023-02-07. Review status: criteria provided, single submitter. Criteria: GeneDx Variant Classification Process June 2021. Collection method: clinical testing. Allele origin: germline. Affected: yes.
Comment: In silico analysis supports that this missense variant has a deleterious effect on protein structure/function; Has not been previously published as pathogenic or benign to our knowledge

Blueprint Genetics
Classification: Uncertain significance. Last evaluated: 2020-05-14. Review status: criteria provided, single submitter. Criteria: ACMG Guidelines, 2015. Collection method: clinical testing. Allele origin: germline.

NM_000501.4(ELN):c.1961G>A (p.Gly654Glu)

Gene: ELN (elastin; plus strand). Cytogenetic location: 7q11.23.
Variant type: single nucleotide variant.
Coding change: c.1961G>A on transcript NM_000501.4 (MANE Select); coding-DNA position 1961, G replaced by A.
Protein change: p.Gly654Glu; replaces glycine 654 with glutamic acid.
Molecular consequence: missense variant.
Genome position (GRCh38, 1-based): chr7:74,063,663, G>A. VCF-style: chr7-74063663-G-A. GRCh37 (hg19) VCF-style: chr7-73477993-G-A.
Other names: c.1874G>A, p.Gly625Glu (NM_001081752.3); c.1919G>A, p.Gly640Glu (NM_001081753.3); c.1976G>A, p.Gly659Glu (NM_001081754.3); c.1904G>A, p.Gly635Glu (NM_001081755.3); c.1961G>A, p.Gly654Glu (NM_001278912.2); c.1718G>A, p.Gly573Glu (NM_001278913.2); c.1889G>A, p.Gly630Glu (NM_001278914.2); c.1979G>A, p.Gly660Glu (NM_001278915.2); and 4 more; short protein forms G630E, G654E, G716E, G565E, G606E, G659E, G640E, G644E.
Identifiers: ClinVar variation 2527245 (VCV002527245.7), dbSNP rs1554686878, ClinGen allele CA367890587.